The following is an entry in ClinVar:

NM_000334.4(SCN4A):c.2011T>C (p.Phe671Leu)

Gene: SCN4A (sodium voltage-gated channel alpha subunit 4; minus strand). Cytogenetic location: 17q23.3.
Variant type: single nucleotide variant.
Coding change: c.2011T>C on transcript NM_000334.4 (MANE Select); coding-DNA position 2011, T replaced by C.
Protein change: p.Phe671Leu; replaces phenylalanine 671 with leucine.
Molecular consequence: missense variant.
Genome position (GRCh38, 1-based): chr17:63,959,273, A>G on the plus strand (T>C on the coding strand, the complement: SCN4A is on the minus strand). VCF-style: chr17-63959273-A-G. GRCh37 (hg19) VCF-style: chr17-62036633-A-G.
Other names: short protein forms F671L.
Identifiers: ClinVar variation 391923 (VCV000391923.2), dbSNP rs1057524290, ClinGen allele CA16607817.
Genomic context (GRCh38, chr17:63,959,273, plus strand): 5'-GTCTCCTCACCCCACCCCCATCCCAGCCCCTGGCCCTGGGGCTTTTGTGTACCAGACGGA[A>G]GGAGCGTAGCACAGACAGTCCCTGTACGTTGGCCAGGCCTAGCTCTACCAGGCTGAGGGT-3'
Protein context (NP_000325.4, residues 661-681): NVQGLSVLRS[Phe671Leu]RLLRVFKLAK

ClinVar aggregate classification (germline): Likely pathogenic (1 of 4 stars; one submission).

Allele frequency attached by ClinVar (database versions not stated): gnomAD exomes below 0.00001.

Submission:

GeneDx
Classification: Likely pathogenic. Last evaluated: 2017-01-04. Review status: criteria provided, single submitter. Criteria: GeneDx Variant Classification (06012015). Collection method: clinical testing. Allele origin: germline. Affected: yes.
Comment: The F671L variant in the SCN4A gene has not been reported previously as a pathogenic variant, nor as a benign variant, to our knowledge. The F671L variant was not observed in approximately 6200 individuals of European and African American ancestry in the NHLBI Exome Sequencing Project, indicating it is not a common benign variant in these populations. The F671L variant is a conservative amino acid substitution, which is not likely to impact secondary protein structure as these residues share similar properties. This substitution occurs at a position that is conserved across species. In silico analysis predicts this variant is probably damaging to the protein structure/function. Missense variants in the same residue (F671S) and in nearby residues (R669H, R672C, R672G, R672H) have been reported in the Human Gene Mutation Database in association with hypokalemic periodic paralysis and myotonia (Stenson et al., 2014), supporting the functional importance of this residue and this region of the protein. Therefore, the F671L variant is a strong candidate for a pathogenic variant, however the possibility it may be a rare benign variant cannot be excluded.